The following is an entry in ClinVar:

NM_000355.4(TCN2):c.628A>G (p.Asn210Asp)

Gene: TCN2 (transcobalamin 2; plus strand). Cytogenetic location: 22q12.2.
Variant type: single nucleotide variant.
Coding change: c.628A>G on transcript NM_000355.4 (MANE Select); coding-DNA position 628, A replaced by G.
Protein change: p.Asn210Asp; replaces asparagine 210 with aspartic acid.
Molecular consequence: missense variant.
Genome position (GRCh38, 1-based): chr22:30,615,348, A>G. VCF-style: chr22-30615348-A-G. GRCh37 (hg19) VCF-style: chr22-31011335-A-G.
Other names: c.547A>G, p.Asn183Asp (NM_001184726.2); short protein forms N183D, N210D.
Identifiers: ClinVar variation 3898023 (VCV003898023.1).

ClinVar aggregate classification (germline): Uncertain significance (1 of 4 stars; one submission).

Conditions:
Transcobalamin II deficiency (TCN2D). Also called: TC II DEFICIENCY; TCN2 DEFICIENCY; Transcolabamin II deficiency. Identifiers: Orphanet 859, MedGen C0342701, MONDO:0010149, OMIM 275350.

gnomAD v4.1: 3 of 1,614,154 alleles (0.00019%); highest among the groups gnomAD compares: South Asian, 0.0033%; no homozygotes.

Submission:

Neuberg Centre For Genomic Medicine, NCGM
Classification: Uncertain significance for Transcobalamin II deficiency. Last evaluated: 2024-02-01. Review status: criteria provided, single submitter. Criteria: ACMG Guidelines, 2015. Collection method: clinical testing. Allele origin: germline. Inheritance: Autosomal recessive inheritance.
Comment: The missense variant c.628A>G (p.Asn210Asp) in TCN2 gene has not been previosuly reported as a pathogenic nor as a benign variant, to our knowledge. This variant is present with allele frequency of 0.001% in the gnomAD Exomes. It has not been submitted to the ClinVar database. Multiple lines of computational evidence (Polyphen - Possibly damaging, SIFT - Tolerated, MutationTaster - Polymorphism) predict conflicting evidence on protein structure and function for this variant. The amino acid Asn at position 210 is changed to a Asp changing protein sequence and it might alter its composition and physico-chemical properties. For these reasons, this variant has been classified as Variant of Uncertain Significance (VUS).